The following is an entry in ClinVar:

NM_000540.3(RYR1):c.12910G>A (p.Ala4304Thr)

Gene: RYR1 (ryanodine receptor 1; plus strand). Cytogenetic location: 19q13.2.
Variant type: single nucleotide variant.
Coding change: c.12910G>A on transcript NM_000540.3 (MANE Select); coding-DNA position 12910, G replaced by A.
Protein change: p.Ala4304Thr; replaces alanine 4304 with threonine.
Molecular consequence: missense variant.
Genome position (GRCh38, 1-based): chr19:38,565,244, G>A. VCF-style: chr19-38565244-G-A. GRCh37 (hg19) VCF-style: chr19-39055884-G-A.
Other names: c.12895G>A, p.Ala4299Thr (NM_001042723.2); short protein forms A4299T, A4304T.
Identifiers: ClinVar variation 1217166 (VCV001217166.10), dbSNP rs959143903, ClinGen allele CA308109364.
Genomic context (GRCh38, chr19:38,565,244, plus strand): 5'-GGCACGGCGGCCACGGCGGCGGCGGGGGCGACGGCGCGGGTTGTGGCGGCCGCAGGCCGG[G>A]CCCTGCGAGGCCTCAGCTACCGCAGCCTGCGGCGGCGCGTGCGGCGGCTGCGGCGGCTTA-3'
Protein context (NP_000531.2, residues 4294-4314): TARVVAAAGR[Ala4304Thr]LRGLSYRSLR

ClinVar aggregate classification (germline): Uncertain significance. Review status: criteria provided, multiple submitters, no conflicts (2 of 4 stars). 5 submissions from 5 submitters: Uncertain significance (5). Last evaluated 2025-07-17.

Conditions:
Inborn genetic diseases. Identifiers: MedGen C0950123, MeSH D030342.
Malignant hyperthermia, susceptibility to, 1 (MHS1). Also called: RYR1-Related Malignant Hyperthermia Susceptibility; Anesthesia related hyperthermia; Malignant hyperpyrexia; Fulminating hyperpyrexia; Pharmacogenic myopathy; Malignant hyperthermia suceptibility 1. Identifiers: Orphanet 423, MedGen C2930980, MONDO:0007783, OMIM 145600.
Congenital multicore myopathy with external ophthalmoplegia (CMYO1B). Also called: Congenital myopathy 1B, autosomal recessive; Minicore myopathy; MULTICORE MYOPATHY; Minicore myopathy with external ophthalmoplegia; MULTIMINICORE DISEASE WITH EXTERNAL OPHTHALMOPLEGIA. Identifiers: Orphanet 598, Orphanet 98905, MedGen C1850674, MONDO:0009712, OMIM 255320, HP:0003789.
King Denborough syndrome (KDS). Identifiers: MedGen C1840365, MONDO:0020485, OMIM 619542.
Central core myopathy (CMYO1A). Also called: Central core disease; Myopathy, central fibrillar; CONGENITAL MYOPATHY 1A, AUTOSOMAL DOMINANT, WITH SUSCEPTIBILITY TO MALIGNANT HYPERTHERMIA. Identifiers: Orphanet 597, MedGen C5830701, MONDO:0007294, OMIM 117000.
Congenital myopathy with fiber type disproportion. Also called: Congenital fiber-type disproportion myopathy; Congenital fiber-type disproportion. Identifiers: Orphanet 2020, MedGen C0546264, MONDO:0009711. Inheritance: all.
RYR1-related disorder. Also called: RYR1-related condition; RYR1-related disorders. Identifiers: MedGen CN239331.

Allele frequency attached by ClinVar (database versions not stated): gnomAD 0.00004; TOPMed 0.00005; gnomAD exomes 0.00926.
gnomAD v4.1: 7 of 989,808 alleles (0.00071%); highest among the groups gnomAD compares: African/African-American, 0.007%; no homozygotes.

Submissions (5):

Labcorp Genetics (formerly Invitae), Labcorp
Classification: Uncertain significance for RYR1-related disorder. Last evaluated: 2025-07-17. Review status: criteria provided, single submitter. Criteria: Invitae Variant Classification Sherloc (09022015). Collection method: clinical testing. Allele origin: germline.
Comment: This sequence change replaces alanine, which is neutral and non-polar, with threonine, which is neutral and polar, at codon 4304 of the RYR1 protein (p.Ala4304Thr). This variant is present in population databases (no rsID available, gnomAD 0.01%). This variant has not been reported in the literature in individuals affected with RYR1-related conditions. ClinVar contains an entry for this variant (Variation ID: 1217166). Invitae Evidence Modeling of protein sequence and biophysical properties (such as structural, functional, and spatial information, amino acid conservation, physicochemical variation, residue mobility, and thermodynamic stability) indicates that this missense variant is not expected to disrupt RYR1 protein function with a negative predictive value of 80%. In summary, the available evidence is currently insufficient to determine the role of this variant in disease. Therefore, it has been classified as a Variant of Uncertain Significance.

Revvity Omics, Revvity
Classification: Uncertain significance. Last evaluated: 2023-07-25. Review status: criteria provided, single submitter. Criteria: ACMG Guidelines, 2015. Collection method: clinical testing. Allele origin: germline.

Ambry Genetics
Classification: Uncertain significance for Inborn genetic diseases. Last evaluated: 2022-10-26. Review status: criteria provided, single submitter. Criteria: Ambry Variant Classification Scheme 2023. Collection method: clinical testing. Allele origin: germline.

Fulgent Genetics
Classification: Uncertain significance for Central core myopathy; Malignant hyperthermia, susceptibility to, 1; Congenital myopathy 4A, autosomal dominant; Congenital multicore myopathy with external ophthalmoplegia; King Denborough syndrome. Last evaluated: 2021-08-13. Review status: criteria provided, single submitter. Criteria: ACMG Guidelines, 2015. Collection method: clinical testing. Allele origin: unknown.

GeneDx
Classification: Uncertain significance. Last evaluated: 2020-11-25. Review status: criteria provided, single submitter. Criteria: GeneDx Variant Classification Process June 2021. Collection method: clinical testing. Allele origin: germline. Affected: yes.
Comment: Not observed at a significant frequency in large population cohorts (Lek et al., 2016); In silico analysis, which includes protein predictors and evolutionary conservation, supports that this variant does not alter protein structure/function; Has not been previously published as pathogenic or benign to our knowledge